The following is an entry in ClinVar:

NM_006734.4(HIVEP2):c.7270A>G (p.Ser2424Gly)

Gene: HIVEP2 (HIVEP zinc finger 2; minus strand). Cytogenetic location: 6q24.2.
Variant type: single nucleotide variant.
Coding change: c.7270A>G on transcript NM_006734.4 (MANE Select); coding-DNA position 7270, A replaced by G.
Protein change: p.Ser2424Gly; replaces serine 2424 with glycine.
Molecular consequence: missense variant.
Genome position (GRCh38, 1-based): chr6:142,753,178, T>C on the plus strand (A>G on the coding strand, the complement: HIVEP2 is on the minus strand). VCF-style: chr6-142753178-T-C. GRCh37 (hg19) VCF-style: chr6-143074315-T-C.
Other names: short protein forms S2424G.
Identifiers: ClinVar variation 2633522 (VCV002633522.1), dbSNP rs1261842588, ClinGen allele CA365940681.

ClinVar aggregate classification (germline): Uncertain significance (1 of 4 stars; one submission).

Conditions:
HIVEP2-related disorder. Also called: HIVEP2-related condition.

Submission:

PreventionGenetics, part of Exact Sciences
Classification: Uncertain significance for HIVEP2-related condition. Last evaluated: 2023-03-23. Review status: criteria provided, single submitter. Criteria: ACMG Guidelines, 2015. Collection method: clinical testing. Allele origin: germline.
Comment: The HIVEP2 c.7270A>G variant is predicted to result in the amino acid substitution p.Ser2424Gly. To our knowledge, this variant has not been reported in the literature or in a large population database, indicating this variant is rare. At this time, the clinical significance of this variant is uncertain due to the absence of conclusive functional and genetic evidence.